The following is an entry in ClinVar:

ClinVar aggregate classification (germline): Uncertain significance (1 of 4 stars; one submission).

Conditions:
Charcot-Marie-Tooth disease axonal type 2O. Also called: Charcot-Marie-Tooth disease, axonal, type 20; CHARCOT-MARIE-TOOTH NEUROPATHY, AXONAL, TYPE 2O; CHARCOT-MARIE-TOOTH DISEASE, AXONAL, AUTOSOMAL DOMINANT, TYPE 2O; Charcot-Marie-Tooth Neuropathy Type 2O. Identifiers: Orphanet 284232, MedGen C3280220, MONDO:0013644, OMIM 614228.

Allele frequency attached by ClinVar (database versions not stated): TOPMed below 0.00001.

Submission:

Labcorp Genetics (formerly Invitae), Labcorp
Classification: Uncertain significance for Charcot-Marie-Tooth disease axonal type 2O. Last evaluated: 2023-05-15. Review status: criteria provided, single submitter. Criteria: Invitae Variant Classification Sherloc (09022015). Collection method: clinical testing. Allele origin: germline.
Comment: In summary, the available evidence is currently insufficient to determine the role of this variant in disease. Therefore, it has been classified as a Variant of Uncertain Significance. Advanced modeling of protein sequence and biophysical properties (such as structural, functional, and spatial information, amino acid conservation, physicochemical variation, residue mobility, and thermodynamic stability) performed at Invitae indicates that this missense variant is not expected to disrupt DYNC1H1 protein function. This variant has not been reported in the literature in individuals affected with DYNC1H1-related conditions. This variant is not present in population databases (gnomAD no frequency). This sequence change replaces histidine, which is basic and polar, with arginine, which is basic and polar, at codon 4054 of the DYNC1H1 protein (p.His4054Arg).

NM_001376.5(DYNC1H1):c.12161A>G (p.His4054Arg)

Gene: DYNC1H1 (dynein cytoplasmic 1 heavy chain 1; plus strand). Cytogenetic location: 14q32.31.
Variant type: single nucleotide variant.
Coding change: c.12161A>G on transcript NM_001376.5 (MANE Select); coding-DNA position 12161, A replaced by G.
Protein change: p.His4054Arg; replaces histidine 4054 with arginine.
Molecular consequence: missense variant.
Genome position (GRCh38, 1-based): chr14:102,042,071, A>G. VCF-style: chr14-102042071-A-G. GRCh37 (hg19) VCF-style: chr14-102508408-A-G.
Other names: short protein forms H4054R.
Identifiers: ClinVar variation 2856665 (VCV002856665.3), dbSNP rs2048658068, ClinGen allele CA391038648.